The following is an entry in ClinVar:

ClinVar aggregate classification (germline): Benign (1 of 4 stars; one submission).

Allele frequency attached by ClinVar (database versions not stated): gnomAD 0.05797 and 0.06161; 1000 Genomes Project 0.05811; TOPMed 0.06164; 1000 Genomes Project 30x 0.06371.
gnomAD v4.1: 8,753 of 152,312 alleles (5.7%); highest among the groups gnomAD compares: African/African-American, 16%; 536 homozygotes.

Submission:

GeneDx
Classification: Benign. Last evaluated: 2018-06-16. Review status: criteria provided, single submitter. Criteria: GeneDx Variant Classification (06012015). Collection method: clinical testing. Allele origin: germline. Affected: yes.
Comment: This variant is considered likely benign or benign based on one or more of the following criteria: it is a conservative change, it occurs at a poorly conserved position in the protein, it is predicted to be benign by multiple in silico algorithms, and/or has population frequency not consistent with disease.

NM_004304.5(ALK):c.4164+163T>C

Gene: ALK (ALK receptor tyrosine kinase; minus strand). Cytogenetic location: 2p23.2.
Variant type: single nucleotide variant.
Coding change: c.4164+163T>C on transcript NM_004304.5 (MANE Select); 163 bases into the intron after coding-DNA position 4164, T replaced by C.
Molecular consequence: intron variant.
Genome position (GRCh38, 1-based): chr2:29,196,607, A>G on the plus strand (T>C on the coding strand, the complement: ALK is on the minus strand). VCF-style: chr2-29196607-A-G. GRCh37 (hg19) VCF-style: chr2-29419473-A-G.
Other names: c.960+163T>C (NM_001353765.2).
Identifiers: ClinVar variation 676806 (VCV000676806.1), dbSNP rs17007666, ClinGen allele CA44637138.